The following is an entry in ClinVar:

ClinVar aggregate classification (germline): Uncertain significance. Review status: criteria provided, multiple submitters, no conflicts (2 of 4 stars). 2 submissions from 2 submitters: Uncertain significance (2). Last evaluated 2024-04-05.

gnomAD v4.1: 2 of 1,613,688 alleles (0.00012%); highest among the groups gnomAD compares: Admixed American, 0.0017%; no homozygotes.

Submissions (2):

Labcorp Genetics (formerly Invitae), Labcorp
Classification: Uncertain significance. Last evaluated: 2024-04-05. Review status: criteria provided, single submitter. Criteria: Invitae Variant Classification Sherloc (09022015). Collection method: clinical testing. Allele origin: germline.
Comment: This sequence change replaces tyrosine, which is neutral and polar, with cysteine, which is neutral and slightly polar, at codon 562 of the SNRNP200 protein (p.Tyr562Cys). This variant is present in population databases (rs781422160, gnomAD 0.006%). This variant has not been reported in the literature in individuals affected with SNRNP200-related conditions. Advanced modeling of protein sequence and biophysical properties (such as structural, functional, and spatial information, amino acid conservation, physicochemical variation, residue mobility, and thermodynamic stability) performed at Invitae indicates that this missense variant is expected to disrupt SNRNP200 protein function with a positive predictive value of 80%. In summary, the available evidence is currently insufficient to determine the role of this variant in disease. Therefore, it has been classified as a Variant of Uncertain Significance.

Blueprint Genetics
Classification: Uncertain significance. Last evaluated: 2021-07-05. Review status: criteria provided, single submitter. Criteria: ACMG Guidelines, 2015. Collection method: clinical testing. Allele origin: germline.

NM_014014.5(SNRNP200):c.1685A>G (p.Tyr562Cys)

Gene: SNRNP200 (small nuclear ribonucleoprotein U5 subunit 200; minus strand). Cytogenetic location: 2q11.2.
Variant type: single nucleotide variant.
Coding change: c.1685A>G on transcript NM_014014.5 (MANE Select); coding-DNA position 1685, A replaced by G.
Protein change: p.Tyr562Cys; replaces tyrosine 562 with cysteine.
Molecular consequence: missense variant.
Genome position (GRCh38, 1-based): chr2:96,295,645, T>C on the plus strand (A>G on the coding strand, the complement: SNRNP200 is on the minus strand). VCF-style: chr2-96295645-T-C. GRCh37 (hg19) VCF-style: chr2-96961383-T-C.
Other names: short protein forms Y562C.
Identifiers: ClinVar variation 3617218 (VCV003617218.3).